The following is an entry in ClinVar:

ClinVar aggregate classification (germline): Uncertain significance (1 of 4 stars; one submission).

Conditions:
Multiple endocrine neoplasia, type 2 (MEN2). Identifiers: Orphanet 653, MedGen C4048306, MONDO:0019003. Disease mechanism: gain of function.

Allele frequency attached by ClinVar (database versions not stated): ExAC 0.00003.
gnomAD v4.1: 4 of 1,613,510 alleles (0.00025%); highest among the groups gnomAD compares: Non-Finnish European, 0.00034%; no homozygotes.

Submission:

Labcorp Genetics (formerly Invitae), Labcorp
Classification: Uncertain significance for Multiple endocrine neoplasia, type 2. Last evaluated: 2024-12-20. Review status: criteria provided, single submitter. Criteria: Invitae Variant Classification Sherloc (09022015). Collection method: clinical testing. Allele origin: germline.
Comment: This sequence change replaces methionine, which is neutral and non-polar, with threonine, which is neutral and polar, at codon 848 of the RET protein (p.Met848Thr). This variant is present in population databases (rs201101792, gnomAD 0.003%). This missense change has been observed in individual(s) with medullary thyroid carcinoma (PMID: 17895320, 20516206, 25440022). ClinVar contains an entry for this variant (Variation ID: 2724443). An algorithm developed to predict the effect of missense changes on protein structure and function (PolyPhen-2) suggests that this variant is likely to be disruptive. Experimental studies are conflicting or provide insufficient evidence to determine the effect of this variant on RET function (PMID: 21810974, 25440022). In summary, the available evidence is currently insufficient to determine the role of this variant in disease. Therefore, it has been classified as a Variant of Uncertain Significance.

Literature cited by the submitters: PubMed 17895320; PubMed 20516206; PubMed 25440022; PubMed 21810974.

NM_020975.6(RET):c.2543T>C (p.Met848Thr)

Gene: RET (ret proto-oncogene; plus strand). Cytogenetic location: 10q11.21.
Variant type: single nucleotide variant.
Coding change: c.2543T>C on transcript NM_020975.6 (MANE Select); coding-DNA position 2543, T replaced by C.
Protein change: p.Met848Thr; replaces methionine 848 with threonine.
Molecular consequence: missense variant.
Genome position (GRCh38, 1-based): chr10:43,119,681, T>C. VCF-style: chr10-43119681-T-C. GRCh37 (hg19) VCF-style: chr10-43615129-T-C.
Other names: c.2147T>C, p.Met716Thr (NM_001406772.1, NM_001406769.1); c.2105T>C, p.Met702Thr (NM_001406773.1, NM_001406771.1); c.2018T>C, p.Met673Thr (NM_001406774.1); c.1817T>C, p.Met606Thr (NM_001406775.1, NM_001406776.1, NM_001406777.1 and 1 more transcripts); c.1646T>C, p.Met549Thr (NM_001406779.1, NM_001406780.1, NM_001406781.1 and 1 more transcripts); c.2543T>C, p.Met848Thr (NM_000323.2, NM_001406743.1, NM_001406744.1 and 4 more transcripts); c.1781T>C, p.Met594Thr (NM_001355216.2); c.2414T>C, p.Met805Thr (NM_001406761.1, NM_001406762.1, NM_001406764.1); and 10 more; short protein forms M594T, M803T, M805T, M506T, M453T, M509T, M518T, M549T.
Identifiers: ClinVar variation 2724443 (VCV002724443.3), dbSNP rs201101792, ClinGen allele CA008912.